The following is an entry in ClinVar:

ClinVar aggregate classification (germline): Conflicting classifications of pathogenicity. Review status: criteria provided, conflicting classifications (1 of 4 stars). 6 submissions from 5 submitters: Uncertain significance (3); Likely benign (2). 1 of the submissions does not count toward it. Last evaluated 2025-02-10.

Conditions:
GJB2-related disorder. Also called: GJB2-related condition; GJB2-related disorders. Identifiers: MedGen CN382183, MONDO:1060236.
Ichthyosis, hystrix-like, with hearing loss. Also called: Hystrix-like ichthyosis with deafness. Identifiers: Orphanet 477, MedGen C1865234, MONDO:0011245.
Autosomal dominant nonsyndromic hearing loss 3A. Identifiers: Orphanet 90635, MedGen C2675750, MONDO:0011103, OMIM 601544.
Autosomal recessive nonsyndromic hearing loss 1A (DFNB1A). Also called: GJB2-Related Autosomal Recessive Nonsyndromic Hearing Loss; GJB6-Related DFNB 1 Nonsyndromic Hearing Loss and Deafness; Deafness, autosomal recessive 1A; Nonsyndromic Hearing Loss and Deafness, DFNB1; Connexin 26 deafness; Deafness nonsyndromic, Connexin 26 linked. Identifiers: Orphanet 90636, MedGen C2673759, MONDO:0009076, OMIM 220290.

Allele frequency attached by ClinVar (database versions not stated): TOPMed 0.00001; ExAC 0.00012; gnomAD exomes 0.00004 and 0.00010.

Submissions (6):

PreventionGenetics, part of Exact Sciences
Classification: Uncertain significance for GJB2-related condition. Last evaluated: 2025-02-10. Review status: criteria provided, single submitter. Criteria: ACMG Guidelines, 2015. Collection method: clinical testing. Allele origin: germline.
Comment: The GJB2 c.37G>A variant is predicted to result in the amino acid substitution p.Val13Met. This variant was reported along with a pathogenic GJB2 variant in an individual with sensorineural hearing loss (Putcha et al. 2007. PubMed ID: 17666888). This variant is reported in 0.061% of alleles in individuals of Latino descent in gnomAD. At this time, the clinical significance of this variant is uncertain due to the absence of conclusive functional and genetic evidence.

Women's Health and Genetics/Laboratory Corporation of America, LabCorp
Classification: Uncertain significance. Last evaluated: 2019-07-26. Review status: criteria provided, single submitter. Criteria: LabCorp Variant Classification Summary - May 2015. Collection method: clinical testing. Allele origin: germline.
Comment: Variant summary: GJB2 c.37G>A (p.Val13Met) results in a conservative amino acid change located in the Connexin, N-terminal domain of the encoded protein sequence. Four of five in-silico tools predict a damaging effect of the variant on protein function. The variant allele was found at a frequency of 9.6e-05 in 249454 control chromosomes, predominantly at a frequency of 0.00061 within the Latino subpopulation in the gnomAD database. This frequency is not significantly higher than expected for a pathogenic variant in GJB2 causing Non-Syndromic Hearing Loss (9.6e-05 vs 0.026), allowing no conclusion about variant significance. c.37G>A has been reported in the literature in one individual affected with Non-Syndromic Hearing Loss (Putcha_2007). This report does not provide unequivocal conclusions about association of the variant with Non-Syndromic Hearing Loss. To our knowledge, no experimental evidence demonstrating an impact on protein function has been reported. One clinical diagnostic laboratory has submitted clinical-significance assessments for this variant to ClinVar (after 2014), classifying the variant as uncertain significance. Based on the evidence outlined above, the variant was classified as uncertain significance.

Baylor Genetics
Classification: Uncertain significance for Autosomal recessive nonsyndromic hearing loss 1A. Last evaluated: 2019-05-10. Review status: criteria provided, single submitter. Criteria: ACMG Guidelines, 2015. Collection method: clinical testing. Allele origin: maternal. Affected: yes.
Comment: This variant was determined to be of uncertain significance according to ACMG Guidelines, 2015 [PMID:25741868].

Illumina Laboratory Services, Illumina
Classification: Likely benign for Autosomal dominant keratitis-ichthyosis-hearing loss syndrome. Last evaluated: 2017-04-27. Review status: criteria provided, single submitter. Criteria: ICSL Variant Classification Criteria 13 December 2019. Collection method: clinical testing. Allele origin: germline.
Comment: This variant was observed as part of a predisposition screen in an ostensibly healthy population. A literature search was performed for the gene, cDNA change, and amino acid change (where applicable). No publications were found based on this search. Allele frequency data from public databases allowed determination this variant is unlikely to cause disease. Therefore, this variant is classified as likely benign.

Illumina Laboratory Services, Illumina
Classification: Likely benign for Autosomal dominant nonsyndromic hearing loss 3A. Last evaluated: 2017-04-27. Review status: criteria provided, single submitter. Criteria: ICSL Variant Classification Criteria 13 December 2019. Collection method: clinical testing. Allele origin: germline.
Comment: the same text as in the submission from Illumina Laboratory Services, Illumina above.

Natera, Inc.
Classification: Uncertain significance for Autosomal recessive deafness type 1A. Last evaluated: 2020-11-03. Review status: no assertion criteria provided. Collection method: clinical testing. Allele origin: germline. Not counted in ClinVar's aggregate classification.

Literature cited by the submitters: PubMed 17666888 (cited by Women's Health and Genetics/Laboratory Corporation of America, LabCorp); PubMed 25388846 (cited by Women's Health and Genetics/Laboratory Corporation of America, LabCorp).

NM_004004.6(GJB2):c.37G>A (p.Val13Met)

Gene: GJB2 (gap junction protein beta 2; minus strand). Cytogenetic location: 13q12.11.
Variant type: single nucleotide variant.
Coding change: c.37G>A on transcript NM_004004.6 (MANE Select); coding-DNA position 37, G replaced by A.
Protein change: p.Val13Met; replaces valine 13 with methionine.
Molecular consequence: missense variant.
Genome position (GRCh38, 1-based): chr13:20,189,545, C>T on the plus strand (G>A on the coding strand, the complement: GJB2 is on the minus strand). VCF-style: chr13-20189545-C-T. GRCh37 (hg19) VCF-style: chr13-20763684-C-T.
Other names: short protein forms V13M.
Identifiers: ClinVar variation 632210 (VCV000632210.12), dbSNP rs768130937, ClinGen allele CA6904329.
Genomic context (GRCh38, chr13:20,189,545, plus strand): 5'-TGCGAAAAATGAAGAGGACGGTGAGCCAGATCTTTCCAATGCTGGTGGAGTGTTTGTTCA[C>T]ACCCCCCAGGATCGTCTGCAGCGTGCCCCAATCCATCTTCTACTCTGGGCGGTTTGCTCT-3'
Protein context (NP_003995.2, residues 3-23): WGTLQTILGG[Val13Met]NKHSTSIGKI